The following is an entry in ClinVar:

ClinVar aggregate classification (germline): Pathogenic (1 of 4 stars; one submission).

Conditions:
Inborn genetic diseases. Identifiers: MedGen C0950123, MeSH D030342.

Submission:

Ambry Genetics
Classification: Pathogenic for Inborn genetic diseases. Last evaluated: 2022-05-20. Review status: criteria provided, single submitter. Criteria: Ambry Variant Classification Scheme 2023. Collection method: clinical testing. Allele origin: germline.
Comment: The c.6430C>T (p.Q2144*) alteration, located in exon 38 (coding exon 38) of the ATR gene, consists of a C to T substitution at nucleotide position 6430. This changes the amino acid from a glutamine (Q) to a stop codon at amino acid position 2144. This alteration is expected to result in loss of function by premature protein truncation or nonsense-mediated mRNA decay. This variant was not reported in population-based cohorts in the Genome Aggregation Database (gnomAD). Based on the available evidence, this alteration is classified as pathogenic.

NM_001184.4(ATR):c.6430C>T (p.Gln2144Ter)

Gene: ATR (ATR checkpoint kinase; minus strand). Cytogenetic location: 3q23.
Variant type: single nucleotide variant.
Coding change: c.6430C>T on transcript NM_001184.4 (MANE Select); coding-DNA position 6430, C replaced by T.
Protein change: p.Gln2144Ter; replaces glutamine 2144 with a stop codon.
Molecular consequence: nonsense.
Genome position (GRCh38, 1-based): chr3:142,469,459, G>A on the plus strand (C>T on the coding strand, the complement: ATR is on the minus strand). VCF-style: chr3-142469459-G-A. GRCh37 (hg19) VCF-style: chr3-142188301-G-A.
Other names: c.6238C>T, p.Gln2080Ter (NM_001354579.2); short protein forms Q2080*, Q2144*.
Identifiers: ClinVar variation 2287814 (VCV002287814.2), dbSNP rs2108279172, ClinGen allele CA354804846.